The following is an entry in ClinVar:

NM_017841.4(SDHAF2):c.11C>T (p.Ser4Phe)

Gene: SDHAF2 (succinate dehydrogenase complex assembly factor 2; plus strand). Cytogenetic location: 11q12.2.
Variant type: single nucleotide variant.
Coding change: c.11C>T on transcript NM_017841.4 (MANE Select); coding-DNA position 11, C replaced by T.
Protein change: p.Ser4Phe; replaces serine 4 with phenylalanine.
Molecular consequence: missense variant.
Genome position (GRCh38, 1-based): chr11:61,430,157, C>T. VCF-style: chr11-61430157-C-T. GRCh37 (hg19) VCF-style: chr11-61197629-C-T.
Other names: c.11C>T (NM_017841.2); short protein forms S4F.
Identifiers: ClinVar variation 1510354 (VCV001510354.8), dbSNP rs778449586, ClinGen allele CA222873825.
Genomic context (GRCh38, chr11:61,430,157, plus strand): 5'-GGAGTTCCCGGAAGTGCCCGCGCAGCCGGTTTCCGGTGCAGGTGGGGAAAATGGCGGTGT[C>T]TACAGTGTTCTCGACTTCGTCGCTGGTGAGGAGAGAGAACGTTCTAGCGTCCGGGGCGGG-3'
Protein context (NP_060311.1, residues 1-14): MAV[Ser4Phe]TVFSTSSLML

ClinVar aggregate classification (germline): Uncertain significance. Review status: criteria provided, multiple submitters, no conflicts (2 of 4 stars). 3 submissions from 3 submitters: Uncertain significance (3). Last evaluated 2025-11-09.

Conditions:
Hereditary pheochromocytoma and paraganglioma. Also called: Hereditary paragangliomas and pheochromocytomas; Hereditary Paraganglioma-Pheochromocytoma Syndromes; Hereditary pheochromocytoma-paraganglioma. Identifiers: Orphanet 29072, MedGen C4274332, MONDO:0017366.
Hereditary cancer-predisposing syndrome. Also called: Tumor predisposition; Hereditary Cancer Syndrome; Hereditary neoplastic syndrome; Neoplastic Syndromes, Hereditary. Identifiers: Orphanet 140162, MedGen C0027672, MeSH D009386, MONDO:0015356.

Allele frequency attached by ClinVar (database versions not stated): TOPMed below 0.00001.

Submissions (3):

Labcorp Genetics (formerly Invitae), Labcorp
Classification: Uncertain significance for Hereditary pheochromocytoma and paraganglioma. Last evaluated: 2025-11-09. Review status: criteria provided, single submitter. Criteria: Invitae Variant Classification Sherloc (09022015). Collection method: clinical testing. Allele origin: germline.
Comment: This sequence change replaces serine, which is neutral and polar, with phenylalanine, which is neutral and non-polar, at codon 4 of the SDHAF2 protein (p.Ser4Phe). This variant is present in population databases (rs778449586, gnomAD 0.0009%). This variant has not been reported in the literature in individuals affected with SDHAF2-related conditions. ClinVar contains an entry for this variant (Variation ID: 1510354). An algorithm developed to predict the effect of missense changes on protein structure and function (PolyPhen-2) suggests that this variant is likely to be tolerated. In summary, the available evidence is currently insufficient to determine the role of this variant in disease. Therefore, it has been classified as a Variant of Uncertain Significance.

Ambry Genetics
Classification: Uncertain significance for Hereditary cancer-predisposing syndrome. Last evaluated: 2025-08-14. Review status: criteria provided, single submitter. Criteria: Ambry Variant Classification Scheme 2023. Collection method: clinical testing. Allele origin: germline.
Comment: The p.S4F variant (also known as c.11C>T), located in coding exon 1 of the SDHAF2 gene, results from a C to T substitution at nucleotide position 11. The serine at codon 4 is replaced by phenylalanine, an amino acid with highly dissimilar properties. This amino acid position is conserved. In addition, this alteration is predicted to be tolerated by in silico analysis. Based on the available evidence, the clinical significance of this variant remains unclear.

GeneDx
Classification: Uncertain significance. Last evaluated: 2023-11-21. Review status: criteria provided, single submitter. Criteria: GeneDx Variant Classification Process June 2021. Collection method: clinical testing. Allele origin: germline. Affected: yes.
Comment: Not observed at significant frequency in large population cohorts (gnomAD); In silico analysis supports that this missense variant does not alter protein structure/function; Has not been previously published as pathogenic or benign to our knowledge